The following is an entry in ClinVar:

ClinVar aggregate classification (germline): Conflicting classifications of pathogenicity. Review status: criteria provided, conflicting classifications (1 of 4 stars). 2 submissions from 2 submitters: Uncertain significance (1); Likely benign (1). Last evaluated 2025-11-25.

Conditions:
Cardiovascular phenotype. Identifiers: MedGen CN230736.
Hereditary cancer-predisposing syndrome. Also called: Hereditary Cancer Syndrome; Tumor predisposition; Hereditary neoplastic syndrome; Neoplastic Syndromes, Hereditary. Identifiers: Orphanet 140162, MedGen C0027672, MeSH D009386, MONDO:0015356.
Neurofibromatosis, type 1 (NF1). Also called: Peripheral type neurofibromatosis; Neurofibromatosis, type I; VON RECKLINGHAUSEN DISEASE; NEUROFIBROMATOSIS, TYPE I, SOMATIC. Identifiers: Orphanet 636, MedGen C0027831, MONDO:0018975, OMIM 162200. Disease mechanism: loss of function.

Allele frequency attached by ClinVar (database versions not stated): gnomAD exomes below 0.00001.
gnomAD v4.1: 1 of 1,612,226 alleles (0.000062%); highest among the groups gnomAD compares: Non-Finnish European, 0.000085%; no homozygotes.

Submissions (2):

Ambry Genetics
Classification: Likely benign for Cardiovascular phenotype; Hereditary cancer-predisposing syndrome. Last evaluated: 2025-11-25. Review status: criteria provided, single submitter. Criteria: Ambry Variant Classification Scheme 2023. Collection method: clinical testing. Allele origin: germline.

Labcorp Genetics (formerly Invitae), Labcorp
Classification: Uncertain significance for Neurofibromatosis, type 1. Last evaluated: 2023-11-19. Review status: criteria provided, single submitter. Criteria: Invitae Variant Classification Sherloc (09022015). Collection method: clinical testing. Allele origin: germline.
Comment: This sequence change replaces glutamine, which is neutral and polar, with arginine, which is basic and polar, at codon 2768 of the NF1 protein (p.Gln2768Arg). This variant is present in population databases (no rsID available, gnomAD 0.0009%). This variant has not been reported in the literature in individuals affected with NF1-related conditions. ClinVar contains an entry for this variant (Variation ID: 1052054). Advanced modeling of protein sequence and biophysical properties (such as structural, functional, and spatial information, amino acid conservation, physicochemical variation, residue mobility, and thermodynamic stability) performed at Invitae indicates that this missense variant is not expected to disrupt NF1 protein function with a negative predictive value of 95%. In summary, the available evidence is currently insufficient to determine the role of this variant in disease. Therefore, it has been classified as a Variant of Uncertain Significance.

NM_001042492.3(NF1):c.8366A>G (p.Gln2789Arg)

Gene: NF1 (neurofibromin 1; plus strand). Cytogenetic location: 17q11.2.
Variant type: single nucleotide variant.
Coding change: c.8366A>G on transcript NM_001042492.3 (MANE Select); coding-DNA position 8366, A replaced by G.
Protein change: p.Gln2789Arg; replaces glutamine 2789 with arginine.
Molecular consequence: missense variant.
Genome position (GRCh38, 1-based): chr17:31,360,692, A>G. VCF-style: chr17-31360692-A-G. GRCh37 (hg19) VCF-style: chr17-29687710-A-G.
Other names: c.8303A>G, p.Gln2768Arg (NM_000267.4); short protein forms Q2768R, Q2789R.
Identifiers: ClinVar variation 1052054 (VCV001052054.6), dbSNP rs1454723879, ClinGen allele CA399205111.